The following is an entry in ClinVar:

ClinVar aggregate classification (germline): Conflicting classifications of pathogenicity. Review status: criteria provided, conflicting classifications (1 of 4 stars). 6 submissions from 6 submitters: Uncertain significance (1); Likely benign (5). Last evaluated 2025-12-23.

Conditions:
Dyskeratosis congenita. Identifiers: Orphanet 1775, MedGen C0265965, MONDO:0015780.
Cerebroretinal microangiopathy with calcifications and cysts 1 (CRMCC1). Identifiers: Orphanet 313838, MedGen C4552029, MONDO:0024564, OMIM 612199.

Allele frequency attached by ClinVar (database versions not stated): gnomAD exomes 0.00003 and 0.00009; gnomAD 0.00007 and 0.00008; TOPMed 0.00007; ExAC 0.00020.
gnomAD v4.1: 57 of 1,610,542 alleles (0.0035%); highest among the groups gnomAD compares: Admixed American, 0.035%; no homozygotes.

Submissions (6):

Labcorp Genetics (formerly Invitae), Labcorp
Classification: Likely benign for Dyskeratosis congenita. Last evaluated: 2025-12-23. Review status: criteria provided, single submitter. Criteria: Invitae Variant Classification Sherloc (09022015). Collection method: clinical testing. Allele origin: germline.

CeGaT Center for Human Genetics Tuebingen
Classification: Likely benign. Last evaluated: 2025-09-01. Review status: criteria provided, single submitter. Criteria: CeGaT Center For Human Genetics Tuebingen Variant Classification Criteria Version 2. Collection method: clinical testing. Allele origin: germline. Affected: yes. Observed: 2 variant alleles.
Comment: CTC1: BP4, BP7

Blueprint Genetics
Classification: Likely benign. Last evaluated: 2021-09-19. Review status: criteria provided, single submitter. Criteria: ACMG Guidelines, 2015. Collection method: clinical testing. Allele origin: germline.

Genome-Nilou Lab
Classification: Likely benign for Cerebroretinal microangiopathy with calcifications and cysts 1. Last evaluated: 2021-07-15. Review status: criteria provided, single submitter. Criteria: ACMG Guidelines, 2015. Collection method: clinical testing. Allele origin: germline. Affected: no.

Sema4
Classification: Likely benign for Dyskeratosis congenita. Last evaluated: 2021-06-23. Review status: criteria provided, single submitter. Criteria: Sema4 Curation Guidelines. Collection method: curation. Allele origin: germline.

Illumina Laboratory Services, Illumina
Classification: Uncertain significance for Dyskeratosis congenita. Last evaluated: 2018-01-19. Review status: criteria provided, single submitter. Criteria: ICSL Variant Classification Criteria 13 December 2019. Collection method: clinical testing. Allele origin: germline.

NM_025099.6(CTC1):c.195T>C (p.Tyr65=)

Gene: CTC1 (CST telomere replication complex component 1; minus strand). Cytogenetic location: 17p13.1.
Variant type: single nucleotide variant.
Coding change: c.195T>C on transcript NM_025099.6 (MANE Select); coding-DNA position 195, T replaced by C.
Protein change: p.Tyr65=; no amino-acid change (tyrosine 65 retained).
Molecular consequence: synonymous variant. On other transcripts: non-coding transcript variant (1).
Genome position (GRCh38, 1-based): chr17:8,242,987, A>G on the plus strand (T>C on the coding strand, the complement: CTC1 is on the minus strand). VCF-style: chr17-8242987-A-G. GRCh37 (hg19) VCF-style: chr17-8146305-A-G.
Identifiers: ClinVar variation 529193 (VCV000529193.33), dbSNP rs764616648, ClinGen allele CA8372697.